The following is an entry in ClinVar:

NM_001197104.2(KMT2A):c.6299A>G (p.His2100Arg)

Gene: KMT2A (lysine methyltransferase 2A; plus strand). Cytogenetic location: 11q23.3.
Variant type: single nucleotide variant.
Coding change: c.6299A>G on transcript NM_001197104.2 (MANE Select); coding-DNA position 6299, A replaced by G.
Protein change: p.His2100Arg; replaces histidine 2100 with arginine.
Molecular consequence: missense variant.
Genome position (GRCh38, 1-based): chr11:118,501,127, A>G. VCF-style: chr11-118501127-A-G. GRCh37 (hg19) VCF-style: chr11-118371842-A-G.
Other names: c.6389A>G, p.His2130Arg (NM_001412597.1); c.6290A>G, p.His2097Arg (NM_005933.4); short protein forms H2097R, H2100R, H2130R.
Identifiers: ClinVar variation 2642427 (VCV002642427.24), dbSNP rs2496979980, ClinGen allele CA382801295.
Genomic context (GRCh38, chr11:118,501,127, plus strand): 5'-CAGTCGTAGAGCCGGATATCAACAGCACTGTTGAACATGATGAAAACAGGACCATTGCCC[A>G]TAGTCCAACATCTTTTACAGGTTAGTCTTGAATCAAGATGGGACTTGAGGCTGGGCACAG-3'
Protein context (NP_001184033.1, residues 2090-2110): VEHDENRTIA[His2100Arg]SPTSFTESSS

ClinVar aggregate classification (germline): Uncertain significance (1 of 4 stars; one submission).

Submission:

CeGaT Center for Human Genetics Tuebingen
Classification: Uncertain significance. Last evaluated: 2022-06-01. Review status: criteria provided, single submitter. Criteria: CeGaT Center For Human Genetics Tuebingen Variant Classification Criteria Version 2. Collection method: clinical testing. Allele origin: germline. Affected: yes. Observed: 1 variant allele.
Comment: KMT2A: PM2